The following is an entry in ClinVar:

ClinVar aggregate classification (germline): Uncertain significance. Review status: criteria provided, multiple submitters, no conflicts (2 of 4 stars). 4 submissions from 4 submitters: Uncertain significance (3). 1 of the submissions does not count toward it. Last evaluated 2025-08-14.

Conditions:
Inborn genetic diseases. Identifiers: MedGen C0950123, MeSH D030342.
Polycystic kidney disease, adult type (PKD1). Also called: Polycystic Kidney Disease 1, Autosomal Dominant; Polycystic kidney disease 1; Polycystic kidney disease 1, severe; Polycystic Kidney, Autosomal Dominant; POLYCYSTIC KIDNEY DISEASE, ADULT, TYPE I; POLYCYSTIC KIDNEY DISEASE 1 WITH OR WITHOUT POLYCYSTIC LIVER DISEASE. Identifiers: MedGen C3149841, MONDO:0008263, OMIM 173900.

Allele frequency attached by ClinVar (database versions not stated): TOPMed below 0.00001; gnomAD exomes 0.00001; gnomAD 0.00002 and 0.00003.

Submissions (4):

Ambry Genetics
Classification: Uncertain significance for Inborn genetic diseases. Last evaluated: 2025-08-14. Review status: criteria provided, single submitter. Criteria: Ambry Variant Classification Scheme 2023. Collection method: clinical testing. Allele origin: germline.

GeneDx
Classification: Uncertain significance. Last evaluated: 2024-06-11. Review status: criteria provided, single submitter. Criteria: GeneDx Variant Classification Process June 2021. Collection method: clinical testing. Allele origin: germline. Affected: yes.
Comment: Not observed at significant frequency in large population cohorts (gnomAD); In silico analysis indicates that this missense variant does not alter protein structure/function; Has not been previously published as pathogenic or benign to our knowledge

Fulgent Genetics
Classification: Uncertain significance for Polycystic kidney disease, adult type. Last evaluated: 2024-01-30. Review status: criteria provided, single submitter. Criteria: ACMG Guidelines, 2015. Collection method: clinical testing. Allele origin: germline.

Bioscientia Institut fuer Medizinische Diagnostik GmbH, Sonic Healthcare
Classification: Uncertain significance for Polycystic kidney disease, adult type. Last evaluated: 2019-02-21. Review status: no assertion criteria provided. Collection method: clinical testing. Allele origin: germline. Affected: yes. Not counted in ClinVar's aggregate classification.

NM_001009944.3(PKD1):c.9934G>A (p.Val3312Met)

Gene: PKD1 (polycystin 1, transient receptor potential channel interacting; minus strand). Cytogenetic location: 16p13.3.
Variant type: single nucleotide variant.
Coding change: c.9934G>A on transcript NM_001009944.3 (MANE Select); coding-DNA position 9934, G replaced by A.
Protein change: p.Val3312Met; replaces valine 3312 with methionine.
Molecular consequence: missense variant.
Genome position (GRCh38, 1-based): chr16:2,099,760, C>T on the plus strand (G>A on the coding strand, the complement: PKD1 is on the minus strand). VCF-style: chr16-2099760-C-T. GRCh37 (hg19) VCF-style: chr16-2149761-C-T.
Other names: c.9934G>A, p.Val3312Met (NM_000296.4); c.9934G>A (NM_000296.3); short protein forms V3312M.
Identifiers: ClinVar variation 635486 (VCV000635486.5), dbSNP rs1459100196, ClinGen allele CA394352545.